The following is an entry in ClinVar:

ClinVar aggregate classification (germline): Conflicting classifications of pathogenicity. Review status: criteria provided, conflicting classifications (1 of 4 stars). 2 submissions from 2 submitters: Uncertain significance (1); Likely benign (1). Last evaluated 2022-02-24.

Conditions:
Cardiomyopathy (CMYO). Also called: Cardiomyopathies. Identifiers: Orphanet 167848, MedGen C0878544, MONDO:0004994, HP:0001638. Inheritance: Various modes of inheritance.
Cardiovascular phenotype. Identifiers: MedGen CN230736.

Allele frequency attached by ClinVar (database versions not stated): gnomAD 0.00001; ExAC 0.00002.
gnomAD v4.1: 12 of 1,613,934 alleles (0.00074%); highest among the groups gnomAD compares: Admixed American, 0.0033%; 1 homozygote.

Submissions (2):

CHEO Genetics Diagnostic Laboratory, Children's Hospital of Eastern Ontario
Classification: Likely benign for Cardiomyopathy. Last evaluated: 2022-02-24. Review status: criteria provided, single submitter. Criteria: ACMG Guidelines, 2015. Collection method: clinical testing. Allele origin: germline.

Ambry Genetics
Classification: Uncertain significance for Cardiovascular phenotype. Last evaluated: 2020-03-24. Review status: criteria provided, single submitter. Criteria: Ambry Variant Classification Scheme 2023. Collection method: clinical testing. Allele origin: germline.
Comment: The p.D2295N variant (also known as c.6883G>A), located in coding exon 28 of the TTN gene, results from a G to A substitution at nucleotide position 6883. The aspartic acid at codon 2295 is replaced by asparagine, an amino acid with highly similar properties. This amino acid position is not well conserved in available vertebrate species. In addition, this alteration is predicted to be tolerated by in silico analysis. Since supporting evidence is limited at this time, the clinical significance of this alteration remains unclear.

NM_001267550.2(TTN):c.7021G>A (p.Asp2341Asn)

Genes: TTN (titin; minus strand), LOC126806433 (BRD4-independent group 4 enhancer GRCh37_chr2:179638309-179639508; plus strand). Cytogenetic location: 2q31.2.
Variant type: single nucleotide variant.
Coding change: c.7021G>A on transcript NM_001267550.2 (MANE Select); coding-DNA position 7021, G replaced by A.
Protein change: p.Asp2341Asn; replaces aspartic acid 2341 with asparagine.
Molecular consequence: missense variant.
Genome position (GRCh38, 1-based): chr2:178,774,243, C>T on the plus strand (G>A on the coding strand, the complement: TTN is on the minus strand). VCF-style: chr2-178774243-C-T. GRCh37 (hg19) VCF-style: chr2-179638970-C-T.
Other names: c.7021G>A, p.Asp2341Asn (NM_001256850.1, NM_133378.4, NM_133379.5); c.6883G>A, p.Asp2295Asn (NM_003319.4, NM_133432.3, NM_133437.4); short protein forms D2341N, D2295N.
Identifiers: ClinVar variation 1755956 (VCV001755956.4), dbSNP rs781736462, ClinGen allele CA2004920.
Genomic context (GRCh38, chr2:178,774,243, plus strand): 5'-GCTGACAGGAATGGGAGGACTTACGTTTCATCTTTAATTTACAGGTTGTCTTTTTCCCGT[C>T]GATGACAAAGCTGTATTCTCCCTGGTCCTCCTTGGTTACATCCTTGACCGTGAGGTTCTG-3'
Protein context (NP_001254479.2, residues 2331-2351): EDQGEYSFVI[Asp2341Asn]GKKTTCKLKM